The following is an entry in ClinVar:

NM_002878.4(RAD51D):c.308C>G (p.Thr103Ser)

Genes: RAD51D (RAD51 paralog D; minus strand), RAD51L3-RFFL (RAD51L3-RFFL readthrough; minus strand). Cytogenetic location: 17q12.
Variant type: single nucleotide variant.
Coding change: c.308C>G on transcript NM_002878.4 (MANE Select); coding-DNA position 308, C replaced by G.
Protein change: p.Thr103Ser; replaces threonine 103 with serine.
Molecular consequence: missense variant. On other transcripts: non-coding transcript variant (2), intron variant (1).
Genome position (GRCh38, 1-based): chr17:35,107,403, G>C on the plus strand (C>G on the coding strand, the complement: RAD51D is on the minus strand). VCF-style: chr17-35107403-G-C. GRCh37 (hg19) VCF-style: chr17-33434422-G-C.
Other names: c.368C>G, p.Thr123Ser (NM_001142571.2); c.145-922C>G (NM_133629.3); short protein forms T103S, T123S.
Identifiers: ClinVar variation 1692727 (VCV001692727.1), dbSNP rs2142436864, ClinGen allele CA399089950.

ClinVar aggregate classification (germline): Uncertain significance (1 of 4 stars; one submission).

Conditions:
Hereditary cancer-predisposing syndrome. Also called: Hereditary Cancer Syndrome; Hereditary neoplastic syndrome; Neoplastic Syndromes, Hereditary; Tumor predisposition. Identifiers: Orphanet 140162, MedGen C0027672, MeSH D009386, MONDO:0015356.

Submission:

Sema4
Classification: Uncertain significance for Hereditary cancer-predisposing syndrome. Last evaluated: 2021-09-16. Review status: criteria provided, single submitter. Criteria: Sema4 Curation Guidelines. Collection method: curation. Allele origin: germline.
Comment: The RAD51D c.308C>G (p.T103S) variant has not been reported in the literature to our knowledge. It was not observed in the large and broad cohorts of the Genome Aggregation Database and has not been reported in ClinVar. Functional studies have not been performed, and in silico predictions of the variant's effect on protein function are inconclusive. The evidence is insufficient to meet ACMG/AMP criteria for classifying the variant as benign or pathogenic. Thus, the clinical significance of this variant is currently uncertain.